The following is an entry in ClinVar:

ClinVar aggregate classification (germline): Pathogenic (1 of 4 stars; one submission).

Submission:

Labcorp Genetics (formerly Invitae), Labcorp
Classification: Pathogenic. Last evaluated: 2025-03-18. Review status: criteria provided, single submitter. Criteria: Invitae Variant Classification Sherloc (09022015). Collection method: clinical testing. Allele origin: germline.
Comment: This sequence change creates a premature translational stop signal (p.Gln61*) in the TUBGCP4 gene. It is expected to result in an absent or disrupted protein product. Loss-of-function variants in TUBGCP4 are known to be pathogenic (PMID: 25817018). This variant is not present in population databases (gnomAD no frequency). This variant has not been reported in the literature in individuals affected with TUBGCP4-related conditions. For these reasons, this variant has been classified as Pathogenic.

Literature cited by the submitters: PubMed 25817018.

NM_014444.5(TUBGCP4):c.181C>T (p.Gln61Ter)

Gene: TUBGCP4 (tubulin gamma complex component 4; plus strand). Cytogenetic location: 15q15.3.
Variant type: single nucleotide variant.
Coding change: c.181C>T on transcript NM_014444.5 (MANE Select); coding-DNA position 181, C replaced by T.
Protein change: p.Gln61Ter; replaces glutamine 61 with a stop codon.
Molecular consequence: nonsense.
Genome position (GRCh38, 1-based): chr15:43,376,200, C>T. VCF-style: chr15-43376200-C-T. GRCh37 (hg19) VCF-style: chr15-43668398-C-T.
Other names: c.181C>T, p.Gln61Ter (NM_001286414.3); short protein forms Q61*.
Identifiers: ClinVar variation 4715419 (VCV004715419.1).